The following is an entry in ClinVar:

NM_001282531.3(ADNP):c.2667T>A (p.Ser889Arg)

Gene: ADNP (activity dependent neuroprotector homeobox; minus strand). Cytogenetic location: 20q13.13.
Variant type: single nucleotide variant.
Coding change: c.2667T>A on transcript NM_001282531.3 (MANE Select); coding-DNA position 2667, T replaced by A.
Protein change: p.Ser889Arg; replaces serine 889 with arginine.
Molecular consequence: missense variant.
Genome position (GRCh38, 1-based): chr20:50,892,047, A>T on the plus strand (T>A on the coding strand, the complement: ADNP is on the minus strand). VCF-style: chr20-50892047-A-T. GRCh37 (hg19) VCF-style: chr20-49508584-A-T.
Other names: c.2667T>A, p.Ser889Arg (NM_001347511.2, NM_015339.5, NM_181442.4 and 1 more transcripts); short protein forms S889R.
Identifiers: ClinVar variation 1794511 (VCV001794511.7), dbSNP rs750568080, ClinGen allele CA9908545.

ClinVar aggregate classification (germline): Conflicting classifications of pathogenicity. Review status: criteria provided, conflicting classifications (1 of 4 stars). 2 submissions from 2 submitters: Uncertain significance (1); Likely benign (1). Last evaluated 2025-12-24.

Conditions:
Inborn genetic diseases. Identifiers: MedGen C0950123, MeSH D030342.

gnomAD v4.1: 73 of 1,614,216 alleles (0.0045%); highest among the groups gnomAD compares: Middle Eastern, 0.033%; 1 homozygote.

Submissions (2):

Labcorp Genetics (formerly Invitae), Labcorp
Classification: Likely benign. Last evaluated: 2025-12-24. Review status: criteria provided, single submitter. Criteria: Invitae Variant Classification Sherloc (09022015). Collection method: clinical testing. Allele origin: germline.

Ambry Genetics
Classification: Uncertain significance for Inborn genetic diseases. Last evaluated: 2018-06-29. Review status: criteria provided, single submitter. Criteria: Ambry Variant Classification Scheme 2023. Collection method: clinical testing. Allele origin: germline.
Comment: The p.S889R variant (also known as c.2667T>A), located in coding exon 3 of the ADNP gene, results from a T to A substitution at nucleotide position 2667. The serine at codon 889 is replaced by arginine, an amino acid with dissimilar properties. This amino acid position is well conserved in available vertebrate species. In addition, this alteration is predicted to be tolerated by in silico analysis. Since supporting evidence is limited at this time, the clinical significance of this alteration remains unclear.